The following is an entry in ClinVar:

ClinVar aggregate classification (germline): Likely benign. Review status: reviewed by expert panel (3 of 4 stars). 6 submissions from 6 submitters: Likely benign (1). 5 of the submissions do not count toward it. Last evaluated 2017-06-29.

Conditions:
Hereditary cancer-predisposing syndrome. Also called: Tumor predisposition; Hereditary neoplastic syndrome; Hereditary Cancer Syndrome; Neoplastic Syndromes, Hereditary. Identifiers: Orphanet 140162, MedGen C0027672, MeSH D009386, MONDO:0015356.
Hereditary breast ovarian cancer syndrome. Also called: Hereditary breast and/or ovarian cancer syndrome; Breast and ovarian cancer; Hereditary breast and ovarian cancer syndrome; Hereditary breast and ovarian cancer; Hereditary breast and ovarian cancer syndrome (HBOC); BRCA1- and BRCA2-Associated Hereditary Breast and Ovarian Cancer. Identifiers: Orphanet 145, MedGen C0677776, MeSH D061325, MONDO:0003582. Disease mechanism: loss of function.
Breast-ovarian cancer, familial, susceptibility to, 1 (BROVCA1). Also called: BRCA1 Hereditary Breast and Ovarian Cancer; OVARIAN CANCER, SUSCEPTIBILITY TO. Identifiers: Orphanet 145, MedGen C2676676, MONDO:0011450, OMIM 604370. Disease mechanism: loss of function.

Allele frequency attached by ClinVar (database versions not stated): gnomAD exomes below 0.00001.
gnomAD v4.1: 1 of 1,614,236 alleles (0.000062%); highest among the groups gnomAD compares: Non-Finnish European, 0.000085%; no homozygotes.

Submissions (6):

Evidence-based Network for the Interpretation of Germline Mutant Alleles (ENIGMA)
Classification: Likely benign for Breast-ovarian cancer, familial, susceptibility to, 1. Last evaluated: 2017-06-29. Review status: reviewed by expert panel. Criteria: ENIGMA BRCA1/2 Classification Criteria (2017-06-29). Collection method: curation. Allele origin: germline.
Comment: Synonymous substitution variant, with low bioinformatic likelihood to result in a splicing aberration (Splicing prior probability 0.02).

Labcorp Genetics (formerly Invitae), Labcorp
Classification: Likely benign for Hereditary breast ovarian cancer syndrome. Last evaluated: 2025-05-05. Review status: criteria provided, single submitter. Criteria: Invitae Variant Classification Sherloc (09022015). Collection method: clinical testing. Allele origin: germline. Not counted in ClinVar's aggregate classification.

All of Us Research Program, National Institutes of Health
Classification: Likely benign for Breast-ovarian cancer, familial, susceptibility to, 1. Last evaluated: 2023-02-24. Review status: criteria provided, single submitter. Criteria: ACMG Guidelines, 2015. Collection method: clinical testing. Allele origin: germline. Inheritance: Autosomal dominant inheritance. Observed: 1 variant allele, 1 heterozygote. Not counted in ClinVar's aggregate classification.
Comment: This study involves interpretation of variants in research participants for the purpose of population health screening. Participant phenotype was not available at the time of variant classification. Additional details can be found in publication PMID: 35346344, PMCID: PMC8962531

Color Diagnostics, LLC DBA Color Health
Classification: Likely benign for Hereditary cancer-predisposing syndrome. Last evaluated: 2017-05-05. Review status: criteria provided, single submitter. Criteria: ACMG Guidelines, 2015. Collection method: clinical testing. Allele origin: germline. Not counted in ClinVar's aggregate classification.

Ambry Genetics
Classification: Likely benign for Hereditary cancer-predisposing syndrome. Last evaluated: 2014-12-24. Review status: criteria provided, single submitter. Criteria: Ambry Variant Classification Scheme 2023. Collection method: clinical testing. Allele origin: germline. Not counted in ClinVar's aggregate classification.

GeneDx
Classification: Benign. Last evaluated: 2013-12-16. Review status: criteria provided, single submitter. Criteria: GeneDx Variant Classification (06012015). Collection method: clinical testing. Allele origin: germline. Affected: yes. Not counted in ClinVar's aggregate classification.
Comment: This variant is considered likely benign or benign based on one or more of the following criteria: it is a conservative change, it occurs at a poorly conserved position in the protein, it is predicted to be benign by multiple in silico algorithms, and/or has population frequency not consistent with disease.

NM_007294.4(BRCA1):c.3702A>G (p.Val1234=)

Genes: BRCA1 (BRCA1 DNA repair associated; minus strand), LOC126862571 (BRD4-independent group 4 enhancer GRCh37_chr17:41243136-41244335; plus strand). Cytogenetic location: 17q21.31.
Variant type: single nucleotide variant.
Coding change: c.3702A>G on transcript NM_007294.4 (MANE Select); coding-DNA position 3702, A replaced by G.
Protein change: p.Val1234=; no amino-acid change (valine 1234 retained).
Molecular consequence: synonymous variant. On other transcripts: intron variant (135).
Genome position (GRCh38, 1-based): chr17:43,091,829, T>C on the plus strand (A>G on the coding strand, the complement: BRCA1 is on the minus strand). VCF-style: chr17-43091829-T-C. GRCh37 (hg19) VCF-style: chr17-41243846-T-C.
Other names: p.V1234V:GTA>GTG; c.3489A>G, p.Val1163= (NM_001407571.1, NM_001407853.1, NM_001407894.1 and 9 more transcripts); c.3702A>G, p.Val1234= (NM_001407581.1, NM_001407582.1, NM_001407583.1 and 30 more transcripts); c.3699A>G, p.Val1233= (NM_001407587.1, NM_001407590.1, NM_001407591.1 and 22 more transcripts); c.3693A>G, p.Val1231= (NM_001407646.1, NM_001407647.1); c.3579A>G, p.Val1193= (NM_001407648.1, NM_001407664.1, NM_001407665.1 and 19 more transcripts); c.3576A>G, p.Val1192= (NM_001407649.1, NM_001407670.1, NM_001407671.1 and 11 more transcripts); c.3624A>G, p.Val1208= (NM_001407653.1, NM_001407654.1, NM_001407655.1 and 4 more transcripts); and 42 more.
Identifiers: ClinVar variation 136545 (VCV000136545.22), dbSNP rs587780862, ClinGen allele CA002370.
Genomic context (GRCh38, chr17:43,091,829, plus strand): 5'-CTTAGACAGACACTCGGTAGCAACGGTGCTATGCCTAGTAGACTGAGAAGGTATATTGTT[T>C]ACTTTACCAAATAACAAGTGTTGGAAGCAGGGAAGCTCTTCATCCTCACTAGATAAGTTC-3'
Protein context (NP_009225.1, residues 1224-1244): PCFQHLLFGK[Val1234=]NNIPSQSTRH